The following is an entry in ClinVar:

NM_000059.4(BRCA2):c.663T>G (p.Phe221Leu)

Gene: BRCA2 (BRCA2 DNA repair associated; plus strand). Cytogenetic location: 13q13.1.
Variant type: single nucleotide variant.
Coding change: c.663T>G on transcript NM_000059.4 (MANE Select); coding-DNA position 663, T replaced by G.
Protein change: p.Phe221Leu; replaces phenylalanine 221 with leucine.
Molecular consequence: missense variant.
Genome position (GRCh38, 1-based): chr13:32,329,474, T>G. VCF-style: chr13-32329474-T-G. GRCh37 (hg19) VCF-style: chr13-32903611-T-G.
Other names: NM_000059.4(BRCA2):c.663T>G; p.Phe221Leu; 891T>G; short protein forms F221L.
Identifiers: ClinVar variation 38058 (VCV000038058.31), dbSNP rs80358891, ClinGen allele CA024240.

ClinVar aggregate classification (germline): Likely benign. Review status: reviewed by expert panel (3 of 4 stars). 11 submissions from 11 submitters: Likely benign (1). 10 of the submissions do not count toward it. Last evaluated 2024-06-11.

Conditions:
BRCA2-related cancer predisposition. Identifiers: MedGen CN377758, MONDO:0700269.
Hereditary cancer-predisposing syndrome. Also called: Tumor predisposition; Neoplastic Syndromes, Hereditary; Hereditary neoplastic syndrome; Hereditary Cancer Syndrome. Identifiers: Orphanet 140162, MedGen C0027672, MeSH D009386, MONDO:0015356.
Hereditary breast ovarian cancer syndrome. Also called: Hereditary breast and ovarian cancer; Hereditary breast and ovarian cancer syndrome (HBOC); Hereditary breast and/or ovarian cancer syndrome; Breast and ovarian cancer; Hereditary breast and ovarian cancer syndrome; BRCA1- and BRCA2-Associated Hereditary Breast and Ovarian Cancer. Identifiers: Orphanet 145, MedGen C0677776, MeSH D061325, MONDO:0003582. Disease mechanism: loss of function.
Breast-ovarian cancer, familial, susceptibility to, 2 (BROVCA2). Also called: BRCA2 Hereditary Breast and Ovarian Cancer. Identifiers: Orphanet 145, MedGen C2675520, MONDO:0012933, OMIM 612555. Disease mechanism: loss of function.
Familial cancer of breast. Also called: Hereditary breast cancer; BREAST CANCER, FAMILIAL; hereditary breast carcinoma. Identifiers: Orphanet 227535, MedGen C0346153, MONDO:0016419, OMIM 114480. Disease mechanism: loss of function.

Allele frequency attached by ClinVar (database versions not stated): gnomAD 0.00003; TOPMed 0.00003.
gnomAD v4.1: 5 of 1,598,264 alleles (0.00031%); highest among the groups gnomAD compares: African/African-American, 0.0027%; no homozygotes.

Submissions (11):

ClinGen ENIGMA BRCA1 and BRCA2 Variant Curation Expert Panel, ClinGen
Classification: Likely benign for BRCA2-related cancer predisposition. Last evaluated: 2024-06-11. Review status: reviewed by expert panel. Criteria: CSpec BRCA1/2ACMG Rules Specifications V1.0. Collection method: curation. Allele origin: germline. Inheritance: Autosomal dominant inheritance.
Comment: The c.663T>G variant in BRCA2 is a missense variant predicted to cause substitution of Phenylalanine by Leucine at amino acid 221 (p.Phe221Leu). This variant is present in gnomAD v2.1 (exomes only, non-cancer subset) or gnomAD v3.1 (non-cancer subset) but is below the ENIGMA BRCA1/2 VCEP threshold >0.00002 for BS1_Supporting (PM2_Supporting, BS1, and BA1 are not met). This missense variant is located outside of a key functional domain and was not predicted to alter mRNA splicing using the SpliceAI predictor (score 0, score threshold <0.1) (BP1_Strong met). Multifactorial likelihood ratio analysis using clinically calibrated data produced a combined LR for this variant of 1.396 (based on Co-occurrence LR=1.08; Family History LR=1.3), which is above the ENIGMA BRCA1/2 VCEP threshold for BP5 (>0.48) and below PP4 (<2.08) (BP5 and PP4 not met; PMID: 31131967, 31853058). In summary, this variant meets the criteria to be classified as a Likely benign variant for BRCA2-related cancer predisposition based on the ACMG/AMP criteria applied as specified by the ENIGMA BRCA1/2 VCEP (BP1_Strong).

Labcorp Genetics (formerly Invitae), Labcorp
Classification: Uncertain significance for Hereditary breast ovarian cancer syndrome. Last evaluated: 2025-11-22. Review status: criteria provided, single submitter. Criteria: Invitae Variant Classification Sherloc (09022015). Collection method: clinical testing. Allele origin: germline. Not counted in ClinVar's aggregate classification.
Comment: This sequence change replaces phenylalanine, which is neutral and non-polar, with leucine, which is neutral and non-polar, at codon 221 of the BRCA2 protein (p.Phe221Leu). The frequency data for this variant in the population databases is considered unreliable, as metrics indicate poor data quality at this position in the gnomAD database. This missense change has been observed in individual(s) with breast cancer (PMID: 22476429). ClinVar contains an entry for this variant (Variation ID: 38058). Invitae Evidence Modeling of protein sequence and biophysical properties (such as structural, functional, and spatial information, amino acid conservation, physicochemical variation, residue mobility, and thermodynamic stability) indicates that this missense variant is not expected to disrupt BRCA2 protein function with a negative predictive value of 95%. In summary, the available evidence is currently insufficient to determine the role of this variant in disease. Therefore, it has been classified as a Variant of Uncertain Significance.

Ambry Genetics
Classification: Uncertain significance for Hereditary cancer-predisposing syndrome. Last evaluated: 2024-10-21. Review status: criteria provided, single submitter. Criteria: Ambry Variant Classification Scheme 2023. Collection method: clinical testing. Allele origin: germline. Not counted in ClinVar's aggregate classification.
Comment: The p.F221L variant (also known as c.663T>G), located in coding exon 7 of the BRCA2 gene, results from a T to G substitution at nucleotide position 663. The phenylalanine at codon 221 is replaced by leucine, an amino acid with highly similar properties. This alteration was identified in an individual considered high risk for breast and/or ovarian cancer (Lu W et al. Fam Cancer, 2012 Sep;11:381-5). This amino acid position is not well conserved in available vertebrate species. In addition, this alteration is predicted to be tolerated by in silico analysis. Since supporting evidence is limited at this time, the clinical significance of this alteration remains unclear.

All of Us Research Program, National Institutes of Health
Classification: Uncertain significance for Breast-ovarian cancer, familial, susceptibility to, 2. Last evaluated: 2023-11-02. Review status: criteria provided, single submitter. Criteria: ACMG Guidelines, 2015. Collection method: clinical testing. Allele origin: germline. Inheritance: Autosomal dominant inheritance. Observed: 1 variant allele, 1 heterozygote. Not counted in ClinVar's aggregate classification.
Comment: This missense variant replaces phenylalanine with leucine at codon 221 of the BRCA2 protein. Computational prediction suggests that this variant may not impact protein structure and function (internally defined REVEL score threshold <= 0.5, PMID: 27666373). To our knowledge, functional studies have not been reported for this variant. This variant has been reported in an individual affected with breast or ovarian cancer (PMID: 22476429) and in a multifactorial analysis with co-occurrence and family history likelihood ratios for pathogenicity of 1.0756 and 3.2237, respectively (PMID: 31131967). This variant has not been identified in the general population by the Genome Aggregation Database (gnomAD). The available evidence is insufficient to determine the role of this variant in disease conclusively. Therefore, this variant is classified as a Variant of Uncertain Significance.

This study involves interpretation of variants in research participants for the purpose of population health screening. Participant phenotype was not available at the time of variant classification. Additional details can be found in publication PMID: 35346344, PMCID: PMC8962531

Color Diagnostics, LLC DBA Color Health
Classification: Uncertain significance for Hereditary cancer-predisposing syndrome. Last evaluated: 2023-10-05. Review status: criteria provided, single submitter. Criteria: ACMG Guidelines, 2015. Collection method: clinical testing. Allele origin: germline. Not counted in ClinVar's aggregate classification.
Comment: This missense variant replaces phenylalanine with leucine at codon 221 of the BRCA2 protein. Computational prediction suggests that this variant may not impact protein structure and function (internally defined REVEL score threshold <= 0.5, PMID: 27666373). To our knowledge, functional studies have not been reported for this variant. This variant has been reported in an individual affected with breast or ovarian cancer (PMID: 22476429) and in a multifactorial analysis with co-occurrence and family history likelihood ratios for pathogenicity of 1.0756 and 3.2237, respectively (PMID: 31131967). This variant has not been identified in the general population by the Genome Aggregation Database (gnomAD). The available evidence is insufficient to determine the role of this variant in disease conclusively. Therefore, this variant is classified as a Variant of Uncertain Significance.

Women's Health and Genetics/Laboratory Corporation of America, LabCorp
Classification: Uncertain significance. Last evaluated: 2023-09-11. Review status: criteria provided, single submitter. Criteria: LabCorp Variant Classification Summary - May 2015. Collection method: clinical testing. Allele origin: germline. Not counted in ClinVar's aggregate classification.
Comment: Variant summary: BRCA2 c.663T>G (p.Phe221Leu) results in a non-conservative amino acid change in the encoded protein sequence. Two of four in-silico tools predict a benign effect of the variant on protein function. The variant allele was found at a frequency of 4.1e-06 in 245048 control chromosomes (gnomAD). The available data on variant occurrences in the general population are insufficient to allow any conclusion about variant significance. c.663T>G has been reported in the literature in an individual affected with breast cancer from a high-risk breast/ovarian cancer family (Lu_2012). This report does not provide unequivocal conclusions about association of the variant with Hereditary Breast and Ovarian Cancer Syndrome. To our knowledge, no experimental evidence demonstrating an impact on protein function has been reported. The following publication have been ascertained in the context of this evaluation (PMID: 22476429). Five submitters have cited clinical-significance assessments for this variant to ClinVar after 2014. All submitters classified the variant as uncertain significance. Based on the evidence outlined above, the variant was classified as uncertain significance.

Baylor Genetics
Classification: Uncertain significance for Familial cancer of breast. Last evaluated: 2023-08-23. Review status: criteria provided, single submitter. Criteria: ACMG Guidelines, 2015. Collection method: clinical testing. Allele origin: unknown. Not counted in ClinVar's aggregate classification.

GeneDx
Classification: Uncertain significance. Last evaluated: 2021-08-11. Review status: criteria provided, single submitter. Criteria: GeneDx Variant Classification Process June 2021. Collection method: clinical testing. Allele origin: germline. Affected: yes. Not counted in ClinVar's aggregate classification.
Comment: Observed in an individual with a personal and/or family history of breast and/or ovarian cancer (Lu 2012); In silico analysis supports that this missense variant does not alter protein structure/function; Not observed at significant frequency in large population cohorts (Lek 2016); Also known as 891T>G; This variant is associated with the following publications: (PMID: 22476429, 31131967)

Quest Diagnostics Nichols Institute San Juan Capistrano
Classification: Uncertain significance. Last evaluated: 2020-02-27. Review status: criteria provided, single submitter. Criteria: Quest Diagnostics criteria. Collection method: clinical testing. Allele origin: unknown. Not counted in ClinVar's aggregate classification.

Sharing Clinical Reports Project (SCRP)
Classification: Pathogenic for Breast-ovarian cancer, familial 2. Last evaluated: 2009-02-03. Review status: no assertion criteria provided. Collection method: clinical testing. Allele origin: germline. Not counted in ClinVar's aggregate classification.

Breast Cancer Information Core (BIC) (BRCA2)
Classification: Uncertain significance for Breast-ovarian cancer, familial 2. Last evaluated: 2000-07-07. Review status: no assertion criteria provided. Collection method: clinical testing. Allele origin: germline. Affected: yes. Observed: 1 variant allele. Not counted in ClinVar's aggregate classification.

Literature cited by the submitters: PubMed 22476429 (cited by 6 submitters); PubMed 31131967 (cited by All of Us Research Program, National Institutes of Health and Color Diagnostics, LLC DBA Color Health).